The following is an entry in ClinVar:

NM_013275.6(ANKRD11):c.4567C>G (p.Pro1523Ala)

Gene: ANKRD11 (ankyrin repeat domain 11; minus strand). Cytogenetic location: 16q24.3.
Variant type: single nucleotide variant.
Coding change: c.4567C>G on transcript NM_013275.6 (MANE Select); coding-DNA position 4567, C replaced by G.
Protein change: p.Pro1523Ala; replaces proline 1523 with alanine.
Molecular consequence: missense variant.
Genome position (GRCh38, 1-based): chr16:89,281,975, G>C on the plus strand (C>G on the coding strand, the complement: ANKRD11 is on the minus strand). VCF-style: chr16-89281975-G-C. GRCh37 (hg19) VCF-style: chr16-89348383-G-C.
Other names: c.4567C>G, p.Pro1523Ala (NM_001256182.2, NM_001256183.2); short protein forms P1523A.
Identifiers: ClinVar variation 2506812 (VCV002506812.2), dbSNP rs2151749160, ClinGen allele CA397157294.

ClinVar aggregate classification (germline): Uncertain significance. Review status: criteria provided, multiple submitters, no conflicts (2 of 4 stars). 2 submissions from 2 submitters: Uncertain significance (2). Last evaluated 2026-01-19.

Allele frequency attached by ClinVar (database versions not stated): gnomAD exomes below 0.00001.
gnomAD v4.1: 1 of 1,612,754 alleles (0.000062%); highest among the groups gnomAD compares: Non-Finnish European, 0.000085%; no homozygotes.

Submissions (2):

Women's Health and Genetics/Laboratory Corporation of America, LabCorp
Classification: Uncertain significance. Last evaluated: 2026-01-19. Review status: criteria provided, single submitter. Criteria: LabCorp Variant Classification Summary - May 2015. Collection method: clinical testing. Allele origin: germline.
Comment: Variant summary: ANKRD11 c.4567C>G (p.Pro1523Ala) results in a non-conservative amino acid change in the encoded protein sequence. Algorithms developed to predict the effect of missense changes on protein structure and function are either unavailable or do not agree on the potential impact of this missense change. The variant was absent in 250670 control chromosomes. The available data on variant occurrences in the general population are insufficient to allow any conclusion about variant significance. To our knowledge, no occurrence of c.4567C>G in individuals affected with ANKRD11-related conditions and no experimental evidence demonstrating its impact on protein function have been reported. ClinVar contains an entry for this variant (Variation ID: 2506812). Based on the evidence outlined above, the variant was classified as uncertain significance.

GeneDx
Classification: Uncertain significance. Last evaluated: 2022-12-20. Review status: criteria provided, single submitter. Criteria: GeneDx Variant Classification Process June 2021. Collection method: clinical testing. Allele origin: germline. Affected: yes.
Comment: Not observed at significant frequency in large population cohorts (gnomAD); In silico analysis supports that this missense variant does not alter protein structure/function; Has not been previously published as pathogenic or benign to our knowledge